The following is an entry in ClinVar:

NM_130384.3(ATRIP):c.766A>G (p.Asn256Asp)

Genes: ATRIP (ATR interacting protein; plus strand), ATRIP-TREX1 (ATRIP-TREX1 readthrough; plus strand). Cytogenetic location: 3p21.31.
Variant type: single nucleotide variant.
Coding change: c.766A>G on transcript NM_130384.3 (MANE Select); coding-DNA position 766, A replaced by G.
Protein change: p.Asn256Asp; replaces asparagine 256 with aspartic acid.
Molecular consequence: missense variant. On other transcripts: non-coding transcript variant (1).
Genome position (GRCh38, 1-based): chr3:48,457,353, A>G. VCF-style: chr3-48457353-A-G. GRCh37 (hg19) VCF-style: chr3-48498753-A-G.
Other names: c.385A>G, p.Asn129Asp (NM_001271022.2); c.487A>G, p.Asn163Asp (NM_001271023.2); c.766A>G, p.Asn256Asp (NM_032166.4); short protein forms N163D, N256D, N129D.
Identifiers: ClinVar variation 3132128 (VCV003132128.2), dbSNP rs764677203, ClinGen allele CA2376047.

ClinVar aggregate classification (germline): Uncertain significance (1 of 4 stars; one submission).

Allele frequency attached by ClinVar (database versions not stated): gnomAD 0.00001; gnomAD exomes 0.00001; ExAC 0.00002.
gnomAD v4.1: 20 of 1,607,810 alleles (0.0012%); highest among the groups gnomAD compares: South Asian, 0.017%; no homozygotes.

Submission:

Ambry Genetics
Classification: Uncertain significance. Last evaluated: 2025-01-17. Review status: criteria provided, single submitter. Criteria: Ambry Variant Classification Scheme 2023. Collection method: clinical testing. Allele origin: germline.
Comment: The p.N256D variant (also known as c.766A>G), located in coding exon 5 of the ATRIP gene, results from an A to G substitution at nucleotide position 766. The asparagine at codon 256 is replaced by aspartic acid, an amino acid with highly similar properties. This amino acid position is conserved. In addition, this alteration is predicted to be tolerated by in silico analysis. Based on the available evidence, the clinical significance of this variant remains unclear.